The following is an entry in ClinVar:

ClinVar aggregate classification (germline): Uncertain significance (1 of 4 stars; one submission).

Allele frequency attached by ClinVar (database versions not stated): ESP Exome Variant Server 0.00008; ExAC 0.00009; gnomAD 0.00012; TOPMed 0.00019; gnomAD exomes 0.00021.
gnomAD v4.1: 335 of 1,613,326 alleles (0.021%); highest among the groups gnomAD compares: Admixed American, 0.03%; 1 homozygote.

Submission:

Labcorp Genetics (formerly Invitae), Labcorp
Classification: Uncertain significance. Last evaluated: 2022-10-10. Review status: criteria provided, single submitter. Criteria: Invitae Variant Classification Sherloc (09022015). Collection method: clinical testing. Allele origin: germline.
Comment: This sequence change replaces serine, which is neutral and polar, with leucine, which is neutral and non-polar, at codon 634 of the PIK3C2A protein (p.Ser634Leu). This variant is present in population databases (rs199594234, gnomAD 0.03%), including at least one homozygous and/or hemizygous individual. This variant has not been reported in the literature in individuals affected with PIK3C2A-related conditions. Algorithms developed to predict the effect of missense changes on protein structure and function are either unavailable or do not agree on the potential impact of this missense change (SIFT: "Not Available"; PolyPhen-2: "Benign"; Align-GVGD: "Not Available"). In summary, the available evidence is currently insufficient to determine the role of this variant in disease. Therefore, it has been classified as a Variant of Uncertain Significance.

NM_002645.4(PIK3C2A):c.1901C>T (p.Ser634Leu)

Gene: PIK3C2A (phosphatidylinositol-4-phosphate 3-kinase catalytic subunit type 2 alpha; minus strand). Cytogenetic location: 11p15.1.
Variant type: single nucleotide variant.
Coding change: c.1901C>T on transcript NM_002645.4 (MANE Select); coding-DNA position 1901, C replaced by T.
Protein change: p.Ser634Leu; replaces serine 634 with leucine.
Molecular consequence: missense variant.
Genome position (GRCh38, 1-based): chr11:17,135,026, G>A on the plus strand (C>T on the coding strand, the complement: PIK3C2A is on the minus strand). VCF-style: chr11-17135026-G-A. GRCh37 (hg19) VCF-style: chr11-17156573-G-A.
Other names: c.1901C>T, p.Ser634Leu (NM_001321378.2, NM_001386870.1); c.761C>T, p.Ser254Leu (NM_001321380.2); short protein forms S254L, S634L.
Identifiers: ClinVar variation 2198107 (VCV002198107.1), dbSNP rs199594234, ClinGen allele CA5901216.